The following is an entry in ClinVar:

ClinVar aggregate classification (germline): Benign/Likely benign. Review status: criteria provided, multiple submitters, no conflicts (2 of 4 stars). 4 submissions from 4 submitters: Benign (1); Likely benign (3). Last evaluated 2026-05-15.

Conditions:
Hereditary cancer-predisposing syndrome. Also called: Tumor predisposition; Hereditary neoplastic syndrome; Neoplastic Syndromes, Hereditary; Hereditary Cancer Syndrome. Identifiers: Orphanet 140162, MedGen C0027672, MeSH D009386, MONDO:0015356.
Neurofibromatosis, type 1 (NF1). Also called: Neurofibromatosis, type I; NEUROFIBROMATOSIS, TYPE I, SOMATIC; VON RECKLINGHAUSEN DISEASE; Peripheral type neurofibromatosis. Identifiers: Orphanet 636, MedGen C0027831, MONDO:0018975, OMIM 162200. Disease mechanism: loss of function.

Allele frequency attached by ClinVar (database versions not stated): gnomAD exomes 0.00001.
gnomAD v4.1: 12 of 1,614,152 alleles (0.00074%); highest among the groups gnomAD compares: South Asian, 0.0011%; no homozygotes.

Submissions (4):

Myriad Genetics, Inc.
Classification: Benign for Neurofibromatosis, type 1. Last evaluated: 2026-05-15. Review status: criteria provided, single submitter. Criteria: Myriad Autosomal Dominant, Autosomal Recessive and X-Linked Classification Criteria (2023). Collection method: clinical testing. Allele origin: unknown.
Comment: This variant is considered benign. This variant is a silent/synonymous amino acid change and it is not expected to impact splicing.

Labcorp Genetics (formerly Invitae), Labcorp
Classification: Likely benign for Neurofibromatosis, type 1. Last evaluated: 2024-12-09. Review status: criteria provided, single submitter. Criteria: Invitae Variant Classification Sherloc (09022015). Collection method: clinical testing. Allele origin: germline.

Genome-Nilou Lab
Classification: Likely benign for Neurofibromatosis, type 1. Last evaluated: 2022-03-15. Review status: criteria provided, single submitter. Criteria: ACMG Guidelines, 2015. Collection method: clinical testing. Allele origin: germline. Affected: no.

Ambry Genetics
Classification: Likely benign for Hereditary cancer-predisposing syndrome. Last evaluated: 2014-01-15. Review status: criteria provided, single submitter. Criteria: Ambry Autosomal Dominant and X-Linked criteria (10/2015). Collection method: clinical testing. Allele origin: germline. Observed: 1 variant allele.

NM_001042492.3(NF1):c.969C>T (p.Ala323=)

Gene: NF1 (neurofibromin 1; plus strand). Cytogenetic location: 17q11.2.
Variant type: single nucleotide variant.
Coding change: c.969C>T on transcript NM_001042492.3 (MANE Select); coding-DNA position 969, C replaced by T.
Protein change: p.Ala323=; no amino-acid change (alanine 323 retained).
Molecular consequence: synonymous variant.
Genome position (GRCh38, 1-based): chr17:31,200,502, C>T. VCF-style: chr17-31200502-C-T. GRCh37 (hg19) VCF-style: chr17-29527520-C-T.
Other names: c.969C>T, p.Ala323= (NM_000267.4, NM_001128147.3).
Identifiers: ClinVar variation 184436 (VCV000184436.14), dbSNP rs786201462, ClinGen allele CA188964.
Genomic context (GRCh38, chr17:31,200,502, plus strand): 5'-ACGAAAAGCTCTTGCTGGCCATGGAGGAAGTAGGCAGCTGACAGAAAGTGCTGCAATTGC[C>T]TGTGTCAAACTGTGTAAAGCAAGTACTTACATCAATTGGGAAGATAACTCTGTCATTTTC-3'
Protein context (NP_001035957.1, residues 313-333): SRQLTESAAI[Ala323=]CVKLCKASTY